The following is an entry in ClinVar:

ClinVar aggregate classification (germline): Pathogenic (1 of 4 stars; one submission).

Conditions:
Congenital adrenal insufficiency with 46, XY sex reversal OR 46,XY disorder of sex development-adrenal insufficiency due to CYP11A1 deficiency. Also called: P450scc DEFICIENCY; Congenital adrenal insuffiency with 46, XY sex reversal OR 46,XY disorder of sex development-adrenal insufficiency due to CYP11A1 deficiency. Identifiers: Orphanet 168558, MedGen C3151055, MONDO:0013400, OMIM 613743.

Submission:

Myriad Genetics, Inc.
Classification: Pathogenic for Congenital adrenal insufficiency with 46, XY sex reversal OR 46,XY disorder of sex development-adrenal insufficiency due to CYP11A1 deficiency. Last evaluated: 2024-10-22. Review status: criteria provided, single submitter. Criteria: Myriad Autosomal Dominant, Autosomal Recessive and X-Linked Classification Criteria (2023). Collection method: clinical testing. Allele origin: unknown.
Comment: NM_000781.2(CYP11A1):c.1213C>T(R405*) is expected to be pathogenic in the context of congenital adrenal hyperplasia, CYP11A1-related. This variant is predicted to lead to an abnormal or absent protein product due to the creation of a premature termination codon in CYP11A1, a gene where loss-of-function variants are known to be pathogenic. Please note: this variant was assessed in the context of healthy population screening.

NM_000781.3(CYP11A1):c.1213C>T (p.Arg405Ter)

Gene: CYP11A1 (cytochrome P450 family 11 subfamily A member 1; minus strand). Cytogenetic location: 15q24.1.
Variant type: single nucleotide variant.
Coding change: c.1213C>T on transcript NM_000781.3 (MANE Select); coding-DNA position 1213, C replaced by T.
Protein change: p.Arg405Ter; replaces arginine 405 with a stop codon.
Molecular consequence: nonsense.
Genome position (GRCh38, 1-based): chr15:74,339,260, G>A on the plus strand (C>T on the coding strand, the complement: CYP11A1 is on the minus strand). VCF-style: chr15-74339260-G-A. GRCh37 (hg19) VCF-style: chr15-74631601-G-A.
Other names: c.739C>T, p.Arg247Ter (NM_001099773.2); short protein forms R247*, R405*.
Identifiers: ClinVar variation 5013667 (VCV005013667.1).